The following is an entry in ClinVar:

ClinVar aggregate classification (germline): Uncertain significance (1 of 4 stars; one submission).

Conditions:
BICD2-related disorder. Also called: BICD2-related condition.

Submission:

PreventionGenetics, part of Exact Sciences
Classification: Uncertain significance for BICD2-related condition. Last evaluated: 2023-05-04. Review status: criteria provided, single submitter. Criteria: ACMG Guidelines, 2015. Collection method: clinical testing. Allele origin: germline.
Comment: The BICD2 c.35G>A variant is predicted to result in the amino acid substitution p.Arg12Gln. To our knowledge, this variant has not been reported in the literature or in a large population database, indicating this variant is rare. At this time, the clinical significance of this variant is uncertain due to the absence of conclusive functional and genetic evidence.

NM_001003800.2(BICD2):c.35G>A (p.Arg12Gln)

Gene: BICD2 (BICD cargo adaptor 2; minus strand). Cytogenetic location: 9q22.31.
Variant type: single nucleotide variant.
Coding change: c.35G>A on transcript NM_001003800.2 (MANE Select); coding-DNA position 35, G replaced by A.
Protein change: p.Arg12Gln; replaces arginine 12 with glutamine.
Molecular consequence: missense variant.
Genome position (GRCh38, 1-based): chr9:92,764,710, C>T on the plus strand (G>A on the coding strand, the complement: BICD2 is on the minus strand). VCF-style: chr9-92764710-C-T. GRCh37 (hg19) VCF-style: chr9-95526992-C-T.
Other names: c.35G>A, p.Arg12Gln (NM_015250.4); short protein forms R12Q.
Identifiers: ClinVar variation 2629274 (VCV002629274.1), dbSNP rs2537622412, ClinGen allele CA374033255.